The following is an entry in ClinVar:

ClinVar aggregate classification (germline): Uncertain significance. Review status: criteria provided, multiple submitters, no conflicts (2 of 4 stars). 2 submissions from 2 submitters: Uncertain significance (2). Last evaluated 2025-10-17.

Conditions:
X-linked distal spinal muscular atrophy type 3. Also called: SPINAL MUSCULAR ATROPHY, DISTAL, X-LINKED RECESSIVE; NEURONOPATHY, DISTAL HEREDITARY MOTOR, X-LINKED; NEUROPATHY, DISTAL HEREDITARY MOTOR, X-LINKED; ATP7A-Related Distal Motor Neuropathy. Identifiers: Orphanet 139557, MedGen C1845359, MONDO:0010338, OMIM 300489.
Menkes kinky-hair syndrome (MNK). Also called: Copper transport disease; Classic Menkes Disease; Menkes Disease. Identifiers: Orphanet 565, MedGen C0022716, MONDO:0010651, OMIM 309400.
Cutis laxa, X-linked (OHS). Also called: EDS IX; Occipital horn syndrome. Identifiers: Orphanet 198, MedGen C0268353, MONDO:0010572, OMIM 304150.
Inborn genetic diseases. Identifiers: MedGen C0950123, MeSH D030342.

gnomAD v4.1: 2 of 1,210,333 alleles (0.00017%); highest among the groups gnomAD compares: Non-Finnish European, 0.00022%; no homozygotes.

Submissions (2):

Ambry Genetics
Classification: Uncertain significance for Inborn genetic diseases. Last evaluated: 2025-10-17. Review status: criteria provided, single submitter. Criteria: Ambry Variant Classification Scheme 2023. Collection method: clinical testing. Allele origin: germline.

Labcorp Genetics (formerly Invitae), Labcorp
Classification: Uncertain significance for X-linked distal spinal muscular atrophy type 3; Cutis laxa, X-linked; Menkes kinky-hair syndrome. Last evaluated: 2022-10-08. Review status: criteria provided, single submitter. Criteria: Invitae Variant Classification Sherloc (09022015). Collection method: clinical testing. Allele origin: germline.
Comment: In summary, the available evidence is currently insufficient to determine the role of this variant in disease. Therefore, it has been classified as a Variant of Uncertain Significance. Advanced modeling of protein sequence and biophysical properties (such as structural, functional, and spatial information, amino acid conservation, physicochemical variation, residue mobility, and thermodynamic stability) performed at Invitae indicates that this missense variant is not expected to disrupt ATP7A protein function. This variant has not been reported in the literature in individuals affected with ATP7A-related conditions. This variant is not present in population databases (gnomAD no frequency). This sequence change replaces glutamic acid, which is acidic and polar, with aspartic acid, which is acidic and polar, at codon 15 of the ATP7A protein (p.Glu15Asp).

NM_000052.7(ATP7A):c.45G>C (p.Glu15Asp)

Gene: ATP7A (ATPase copper transporting alpha; plus strand). Cytogenetic location: Xq21.1.
Variant type: single nucleotide variant.
Coding change: c.45G>C on transcript NM_000052.7 (MANE Select); coding-DNA position 45, G replaced by C.
Protein change: p.Glu15Asp; replaces glutamic acid 15 with aspartic acid.
Molecular consequence: missense variant. On other transcripts: non-coding transcript variant (1).
Genome position (GRCh38, 1-based): chrX:77,971,686, G>C. VCF-style: chrX-77971686-G-C. GRCh37 (hg19) VCF-style: chrX-77227183-G-C.
Other names: c.45G>C (NM_000052.4); c.45G>C, p.Glu15Asp (NM_001282224.2); short protein forms E15D.
Identifiers: ClinVar variation 1720553 (VCV001720553.7), dbSNP rs2522252226, ClinGen allele CA413597697.
Genomic context (GRCh38, chrX:77,971,686, plus strand): 5'-TAATGAGGAAATCAAAATGGATCCAAGTATGGGTGTGAATTCTGTTACCATTTCTGTTGA[G>C]GGTATGACTTGCAATTCCTGTGTTTGGACCATTGAGCAGCAGATTGGAAAAGTGAATGGT-3'
Protein context (NP_000043.4, residues 5-25): MGVNSVTISV[Glu15Asp]GMTCNSCVWT